The following is an entry in ClinVar:

NM_000136.3(FANCC):c.1368G>T (p.Met456Ile)

Genes: AOPEP (aminopeptidase O (putative); plus strand), FANCC (FA complementation group C; minus strand). Cytogenetic location: 9q22.32.
Variant type: single nucleotide variant.
Coding change: c.1368G>T on transcript NM_000136.3 (MANE Select); coding-DNA position 1368, G replaced by T.
Protein change: p.Met456Ile; replaces methionine 456 with isoleucine.
Molecular consequence: missense variant.
Genome position (GRCh38, 1-based): chr9:95,107,231, C>A on the plus strand (G>T on the coding strand, the complement: FANCC is on the minus strand). VCF-style: chr9-95107231-C-A. GRCh37 (hg19) VCF-style: chr9-97869513-C-A.
Other names: c.1368G>T, p.Met456Ile (NM_001243743.2); short protein forms M456I.
Identifiers: ClinVar variation 216283 (VCV000216283.18), dbSNP rs863224609, ClinGen allele CA338913.
Genomic context (GRCh38, chr9:95,107,231, plus strand): 5'-GTCTGTGCCCTGTCCTGCTACCGTCTGCAGGTCCTGGGCTGAGAGGCTGCTGCTTCTGGA[C>A]ATTGCCAGGAGGTGGCCCAGCACGGCCTTCACCTGGACCTGGGCAATAGTATTTCACAGG-3'
Protein context (NP_000127.2, residues 446-466): VKAVLGHLLA[Met456Ile]SRSSSLSAQD

ClinVar aggregate classification (germline): Uncertain significance. Review status: criteria provided, multiple submitters, no conflicts (2 of 4 stars). 6 submissions from 6 submitters: Uncertain significance (5). 1 of the submissions does not count toward it. Last evaluated 2024-05-02.

Conditions:
Hereditary cancer-predisposing syndrome. Also called: Neoplastic Syndromes, Hereditary; Tumor predisposition; Hereditary Cancer Syndrome; Hereditary neoplastic syndrome. Identifiers: Orphanet 140162, MedGen C0027672, MeSH D009386, MONDO:0015356.
Fanconi anemia (FA). Also called: Fanconi's anemia. Identifiers: Orphanet 84, MedGen C0015625, MeSH D005199, MONDO:0019391.
Fanconi anemia complementation group C (FANCC). Also called: FANCONI PANCYTOPENIA, TYPE 3; FACC; Fanconi anemia, group C; FANCC-Related Fanconi Anemia. Identifiers: Orphanet 84, MedGen C3468041, MONDO:0009213, OMIM 227645.

Allele frequency attached by ClinVar (database versions not stated): gnomAD exomes 0.00001.
gnomAD v4.1: 11 of 1,614,156 alleles (0.00068%); highest among the groups gnomAD compares: Non-Finnish European, 0.00085%; no homozygotes.

Submissions (6):

Labcorp Genetics (formerly Invitae), Labcorp
Classification: Uncertain significance for Fanconi anemia. Last evaluated: 2024-05-02. Review status: criteria provided, single submitter. Criteria: Invitae Variant Classification Sherloc (09022015). Collection method: clinical testing. Allele origin: germline.
Comment: This sequence change replaces methionine, which is neutral and non-polar, with isoleucine, which is neutral and non-polar, at codon 456 of the FANCC protein (p.Met456Ile). This variant is not present in population databases (gnomAD no frequency). This variant has not been reported in the literature in individuals affected with FANCC-related conditions. ClinVar contains an entry for this variant (Variation ID: 216283). Advanced modeling of protein sequence and biophysical properties (such as structural, functional, and spatial information, amino acid conservation, physicochemical variation, residue mobility, and thermodynamic stability) performed at Invitae indicates that this missense variant is not expected to disrupt FANCC protein function with a negative predictive value of 80%. In summary, the available evidence is currently insufficient to determine the role of this variant in disease. Therefore, it has been classified as a Variant of Uncertain Significance.

Ambry Genetics
Classification: Uncertain significance for Hereditary cancer-predisposing syndrome. Last evaluated: 2024-02-16. Review status: criteria provided, single submitter. Criteria: Ambry Variant Classification Scheme 2023. Collection method: clinical testing. Allele origin: germline.
Comment: The p.M456I variant (also known as c.1368G>T), located in coding exon 13 of the FANCC gene, results from a G to T substitution at nucleotide position 1368. The methionine at codon 456 is replaced by isoleucine, an amino acid with highly similar properties. This amino acid position is conserved. In addition, this alteration is predicted to be tolerated by in silico analysis. Since supporting evidence is limited at this time, the clinical significance of this alteration remains unclear.

Blueprint Genetics
Classification: Uncertain significance. Last evaluated: 2023-04-18. Review status: criteria provided, single submitter. Criteria: ACMG Guidelines, 2015. Collection method: clinical testing. Allele origin: germline.

Fulgent Genetics
Classification: Uncertain significance for Fanconi anemia complementation group C. Last evaluated: 2022-05-10. Review status: criteria provided, single submitter. Criteria: ACMG Guidelines, 2015. Collection method: clinical testing. Allele origin: unknown.

St. Jude Molecular Pathology, St. Jude Children's Research Hospital
Classification: Uncertain significance for Fanconi anemia complementation group C. Last evaluated: 2022-01-03. Review status: criteria provided, single submitter. Criteria: St. Jude Assertion Criteria 2020. Collection method: clinical testing. Allele origin: germline.
Comment: The FANCC c.1368G>T (p.Met456Ile) missense change is absent in gnomAD v2.1.1. The in silico tool REVEL predicts a benign effect on protein function, but to our knowledge this prediction has not been confirmed by functional studies. To our knowledge, this variant has not been reported in individuals with Fanconi anemia. In summary, the evidence currently available is insufficient to determine the clinical significance of this variant. It has therefore been classified as of uncertain significance.

Natera, Inc.
Classification: Uncertain significance for Fanconi anemia. Last evaluated: 2018-09-28. Review status: no assertion criteria provided. Collection method: clinical testing. Allele origin: germline. Not counted in ClinVar's aggregate classification.